The following is an entry in ClinVar:

NM_031935.3(HMCN1):c.14051G>C (p.Gly4684Ala)

Gene: HMCN1 (hemicentin 1; plus strand). Cytogenetic location: 1q31.1.
Variant type: single nucleotide variant.
Coding change: c.14051G>C on transcript NM_031935.3 (MANE Select); coding-DNA position 14051, G replaced by C.
Protein change: p.Gly4684Ala; replaces glycine 4684 with alanine.
Molecular consequence: missense variant.
Genome position (GRCh38, 1-based): chr1:186,144,299, G>C. VCF-style: chr1-186144299-G-C. GRCh37 (hg19) VCF-style: chr1-186113431-G-C.
Other names: short protein forms G4684A.
Identifiers: ClinVar variation 2414539 (VCV002414539.6), dbSNP rs778307391, ClinGen allele CA1294842.

ClinVar aggregate classification (germline): Uncertain significance (1 of 4 stars; one submission).

Allele frequency attached by ClinVar (database versions not stated): ExAC 0.00002.
gnomAD v4.1: 10 of 1,613,968 alleles (0.00062%); highest among the groups gnomAD compares: South Asian, 0.0055%; no homozygotes.

Submission:

Labcorp Genetics (formerly Invitae), Labcorp
Classification: Uncertain significance. Last evaluated: 2021-12-19. Review status: criteria provided, single submitter. Criteria: Invitae Variant Classification Sherloc (09022015). Collection method: clinical testing. Allele origin: germline.
Comment: In summary, the available evidence is currently insufficient to determine the role of this variant in disease. Therefore, it has been classified as a Variant of Uncertain Significance. Algorithms developed to predict the effect of missense changes on protein structure and function are either unavailable or do not agree on the potential impact of this missense change (SIFT: "Deleterious"; PolyPhen-2: "Benign"; Align-GVGD: "Class C55"). This variant has not been reported in the literature in individuals affected with HMCN1-related conditions. This variant is present in population databases (rs778307391, gnomAD 0.006%). This sequence change replaces glycine, which is neutral and non-polar, with alanine, which is neutral and non-polar, at codon 4684 of the HMCN1 protein (p.Gly4684Ala).